The following is an entry in ClinVar:

NM_030624.3(KLHL15):c.472C>A (p.Leu158Met)

Gene: KLHL15 (kelch like family member 15; minus strand). Cytogenetic location: Xp22.11.
Variant type: single nucleotide variant.
Coding change: c.472C>A on transcript NM_030624.3 (MANE Select); coding-DNA position 472, C replaced by A.
Protein change: p.Leu158Met; replaces leucine 158 with methionine.
Molecular consequence: missense variant.
Genome position (GRCh38, 1-based): chrX:24,006,222, G>T on the plus strand (C>A on the coding strand, the complement: KLHL15 is on the minus strand). VCF-style: chrX-24006222-G-T. GRCh37 (hg19) VCF-style: chrX-24024339-G-T.
Other names: c.472C>A (NM_030624.2); short protein forms L158M.
Identifiers: ClinVar variation 493509 (VCV000493509.43), dbSNP rs758506007, ClinGen allele CA10370563.
Genomic context (GRCh38, chrX:24,006,222, plus strand): 5'-CAAAGCTCAGATAGGACAGAAAGTCAGGCCTAGACATGAGTGGCACAAAGTTGTCTAGCA[G>T]AAAGGTGTCTAACTTCTCCCTGACTCCCTCGATGTTTACGCCGAAATCATCTAAGAGTCT-3'
Protein context (NP_085127.2, residues 148-168): EGVREKLDTF[Leu158Met]LDNFVPLMSR

ClinVar aggregate classification (germline): Conflicting classifications of pathogenicity. Review status: criteria provided, conflicting classifications (1 of 4 stars). 2 submissions from 2 submitters: Uncertain significance (1); Likely benign (1). Last evaluated 2025-10-29.

Allele frequency attached by ClinVar (database versions not stated): TOPMed 0.00001; gnomAD exomes 0.00002 and 0.00003; ExAC 0.00006.
gnomAD v4.1: 21 of 1,211,452 alleles (0.0017%); highest among the groups gnomAD compares: Non-Finnish European, 0.0018%; no homozygotes.

Submissions (2):

Ambry Genetics
Classification: Uncertain significance. Last evaluated: 2025-10-29. Review status: criteria provided, single submitter. Criteria: Ambry Variant Classification Scheme 2023. Collection method: clinical testing. Allele origin: germline.

CeGaT Center for Human Genetics Tuebingen
Classification: Likely benign. Last evaluated: 2023-10-01. Review status: criteria provided, single submitter. Criteria: CeGaT Center For Human Genetics Tuebingen Variant Classification Criteria Version 2. Collection method: clinical testing. Allele origin: germline. Affected: yes. Observed: 2 variant alleles.
Comment: KLHL15: PP2, BS2